The following is an entry in ClinVar:

NM_144670.6(A2ML1):c.1921T>G (p.Phe641Val)

Gene: A2ML1 (alpha-2-macroglobulin like 1; plus strand). Cytogenetic location: 12p13.31.
Variant type: single nucleotide variant.
Coding change: c.1921T>G on transcript NM_144670.6 (MANE Select); coding-DNA position 1921, T replaced by G.
Protein change: p.Phe641Val; replaces phenylalanine 641 with valine.
Molecular consequence: missense variant.
Genome position (GRCh38, 1-based): chr12:8,848,807, T>G. VCF-style: chr12-8848807-T-G. GRCh37 (hg19) VCF-style: chr12-9001403-T-G.
Other names: c.448T>G, p.Phe150Val (NM_001282424.3); short protein forms F150V, F641V.
Identifiers: ClinVar variation 4769194 (VCV004769194.1).

ClinVar aggregate classification (germline): Uncertain significance (1 of 4 stars; one submission).

Submission:

Labcorp Genetics (formerly Invitae), Labcorp
Classification: Uncertain significance. Last evaluated: 2025-04-23. Review status: criteria provided, single submitter. Criteria: Invitae Variant Classification Sherloc (09022015). Collection method: clinical testing. Allele origin: germline.
Comment: This sequence change replaces phenylalanine, which is neutral and non-polar, with valine, which is neutral and non-polar, at codon 641 of the A2ML1 protein (p.Phe641Val). This variant is not present in population databases (gnomAD no frequency). This variant has not been reported in the literature in individuals affected with A2ML1-related conditions. An algorithm developed to predict the effect of missense changes on protein structure and function outputs the following: PolyPhen-2: "Benign". The valine amino acid residue is found in multiple mammalian species, which suggests that this missense change does not adversely affect protein function. In summary, the available evidence is currently insufficient to determine the role of this variant in disease. Therefore, it has been classified as a Variant of Uncertain Significance.